The following is an entry in ClinVar:

NM_178009.5(DGKH):c.623-3_623-2insTTTTTTTTTTTTTTTTTTTTTTTTTTTTTTTTT

Gene: DGKH (diacylglycerol kinase eta; plus strand). Cytogenetic location: 13q14.11.
Variant type: Insertion.
Coding change: c.623-3_623-2insTTTTTTTTTTTTTTTTTTTTTTTTTTTTTTTTT on transcript NM_178009.5 (MANE Select); 3 bases into the intron before coding-DNA position 623 through the canonical splice acceptor site of the intron before coding-DNA position 623, TTTTTTTTTTTTTTTTTTTTTTTTTTTTTTTTT inserted.
Molecular consequence: intron variant.
Genome position: GRCh38: chr13:42,159,263-42,159,264. GRCh37 (hg19): chr13:42,733,399-42,733,400.
Other names: c.623-3_623-2insTTTTTTTTTTTTTTTTTTTTTTTTTTTTTTTTT (NM_001204504.3, NM_152910.6); c.215-3_215-2insTTTTTTTTTTTTTTTTTTTTTTTTTTTTTTTTT (NM_001204505.3, NM_001204506.3); c.120+3464_120+3465insTTTTTTTTTTTTTTTTTTTTTTTTTTTTTTTTT (NM_001297429.2).
Identifiers: ClinVar variation 2643787 (VCV002643787.24), dbSNP rs57531279, ClinGen allele CA955363820.

ClinVar aggregate classification (germline): Likely benign (1 of 4 stars; one submission).

Submission:

CeGaT Center for Human Genetics Tuebingen
Classification: Likely benign. Last evaluated: 2022-11-01. Review status: criteria provided, single submitter. Criteria: CeGaT Center For Human Genetics Tuebingen Variant Classification Criteria Version 2. Collection method: clinical testing. Allele origin: germline. Affected: yes. Observed: 1 variant allele.
Comment: DGKH: BS2